The following is an entry in ClinVar:

NM_000038.6(APC):c.2154T>C (p.Ile718=)

Gene: APC (APC regulator of Wnt signaling pathway; plus strand). Cytogenetic location: 5q22.2.
Variant type: single nucleotide variant.
Coding change: c.2154T>C on transcript NM_000038.6 (MANE Select); coding-DNA position 2154, T replaced by C.
Protein change: p.Ile718=; no amino-acid change (isoleucine 718 retained).
Molecular consequence: synonymous variant. On other transcripts: non-coding transcript variant (2).
Genome position (GRCh38, 1-based): chr5:112,837,748, T>C. VCF-style: chr5-112837748-T-C. GRCh37 (hg19) VCF-style: chr5-112173445-T-C.
Other names: c.2154T>C (NM_000038.5); c.2154T>C, p.Ile718= (NM_001127510.3, NM_001354895.2, NM_001407450.1); c.2100T>C, p.Ile700= (NM_001127511.3); c.2208T>C, p.Ile736= (NM_001354896.2, NM_001407447.1, NM_001407448.1 and 1 more transcripts); c.2184T>C, p.Ile728= (NM_001354897.2); c.2079T>C, p.Ile693= (NM_001354898.2); c.2070T>C, p.Ile690= (NM_001354899.2); c.2031T>C, p.Ile677= (NM_001354900.2); and 12 more.
Identifiers: ClinVar variation 3148786 (VCV003148786.2), dbSNP rs372725652, ClinGen allele CA445963467.
Genomic context (GRCh38, chr5:112,837,748, plus strand): 5'-ATGGGACATGGGGGCAGTTAGCATGCTCAAGAACCTCATTCATTCAAAGCACAAAATGAT[T>C]GCTATGGGAAGTGCTGCAGCTTTAAGGAATCTCATGGCAAATAGGCCTGCGAAGTACAAG-3'
Protein context (NP_000029.2, residues 708-728): KNLIHSKHKM[Ile718=]AMGSAAALRN

ClinVar aggregate classification (germline): Benign/Likely benign. Review status: criteria provided, multiple submitters, no conflicts (2 of 4 stars). 2 submissions from 2 submitters: Benign (1); Likely benign (1). Last evaluated 2025-11-01.

Conditions:
Familial adenomatous polyposis 1 (FAP1). Also called: POLYPOSIS, ADENOMATOUS INTESTINAL; FAMILIAL ADENOMATOUS POLYPOSIS 1, ATTENUATED. Identifiers: MedGen C2713442, MONDO:0021056, OMIM 175100. Disease mechanism: loss of function.
Hereditary cancer-predisposing syndrome. Also called: Neoplastic Syndromes, Hereditary; Tumor predisposition; Hereditary neoplastic syndrome; Hereditary Cancer Syndrome. Identifiers: Orphanet 140162, MedGen C0027672, MeSH D009386, MONDO:0015356.

Submissions (2):

Ambry Genetics
Classification: Likely benign for Hereditary cancer-predisposing syndrome. Last evaluated: 2025-11-01. Review status: criteria provided, single submitter. Criteria: Ambry Variant Classification Scheme 2023. Collection method: clinical testing. Allele origin: germline.

Myriad Genetics, Inc.
Classification: Benign for Familial adenomatous polyposis 1. Last evaluated: 2024-03-08. Review status: criteria provided, single submitter. Criteria: Myriad Autosomal Dominant, Autosomal Recessive and X-Linked Classification Criteria (2023). Collection method: clinical testing. Allele origin: unknown.
Comment: This variant is considered benign. This variant is a silent/synonymous amino acid change and it is not expected to impact splicing.